The following is an entry in ClinVar:

NM_005225.3(E2F1):c.1036C>T (p.Pro346Ser)

Gene: E2F1 (E2F transcription factor 1; minus strand). Cytogenetic location: 20q11.22.
Variant type: single nucleotide variant.
Coding change: c.1036C>T on transcript NM_005225.3 (MANE Select); coding-DNA position 1036, C replaced by T.
Protein change: p.Pro346Ser; replaces proline 346 with serine.
Molecular consequence: missense variant.
Genome position (GRCh38, 1-based): chr20:33,677,135, G>A on the plus strand (C>T on the coding strand, the complement: E2F1 is on the minus strand). VCF-style: chr20-33677135-G-A. GRCh37 (hg19) VCF-style: chr20-32264941-G-A.
Other names: short protein forms P346S.
Identifiers: ClinVar variation 5038528 (VCV005038528.1).

ClinVar aggregate classification (germline): Likely benign (1 of 4 stars; one submission).

gnomAD v4.1: 2,284 of 1,614,052 alleles (0.14%); highest among the groups gnomAD compares: Non-Finnish European, 0.18%; 4 homozygotes.

Submission:

CeGaT Center for Human Genetics Tuebingen
Classification: Likely benign. Last evaluated: 2026-08-01. Review status: criteria provided, single submitter. Criteria: CeGaT Center For Human Genetics Tuebingen Variant Classification Criteria Version 2. Collection method: clinical testing. Allele origin: germline. Affected: yes. Observed: 1 variant allele.
Comment: E2F1: BP4